The following is an entry in ClinVar:

NM_015466.4(PTPN23):c.2494G>A (p.Gly832Ser)

Gene: PTPN23 (protein tyrosine phosphatase non-receptor type 23; plus strand). Cytogenetic location: 3p21.31.
Variant type: single nucleotide variant.
Coding change: c.2494G>A on transcript NM_015466.4 (MANE Select); coding-DNA position 2494, G replaced by A.
Protein change: p.Gly832Ser; replaces glycine 832 with serine.
Molecular consequence: missense variant.
Genome position (GRCh38, 1-based): chr3:47,410,292, G>A. VCF-style: chr3-47410292-G-A. GRCh37 (hg19) VCF-style: chr3-47451782-G-A.
Other names: c.2116G>A, p.Gly706Ser (NM_001304482.2); short protein forms G832S, G706S.
Identifiers: ClinVar variation 1980076 (VCV001980076.1), dbSNP rs141964558, ClinGen allele CA2366059.

ClinVar aggregate classification (germline): Uncertain significance (1 of 4 stars; one submission).

Allele frequency attached by ClinVar (database versions not stated): gnomAD 0.00001; gnomAD exomes 0.00001; TOPMed 0.00001; ExAC 0.00002; ESP Exome Variant Server 0.00015.
gnomAD v4.1: 19 of 1,605,758 alleles (0.0012%); highest among the groups gnomAD compares: Non-Finnish European, 0.0016%; no homozygotes.

Submission:

Labcorp Genetics (formerly Invitae), Labcorp
Classification: Uncertain significance. Last evaluated: 2021-12-22. Review status: criteria provided, single submitter. Criteria: Invitae Variant Classification Sherloc (09022015). Collection method: clinical testing. Allele origin: germline.
Comment: This sequence change replaces glycine, which is neutral and non-polar, with serine, which is neutral and polar, at codon 832 of the PTPN23 protein (p.Gly832Ser). This variant is present in population databases (rs141964558, gnomAD 0.003%). This variant has not been reported in the literature in individuals affected with PTPN23-related conditions. Algorithms developed to predict the effect of missense changes on protein structure and function are either unavailable or do not agree on the potential impact of this missense change (SIFT: "Tolerated"; PolyPhen-2: "Not Available"; Align-GVGD: "Class C0"). In summary, the available evidence is currently insufficient to determine the role of this variant in disease. Therefore, it has been classified as a Variant of Uncertain Significance.